The following is an entry in ClinVar:

ClinVar aggregate classification (germline): Pathogenic (1 of 4 stars; one submission).

Conditions:
Hereditary spastic paraplegia 4. Also called: Familial spastic paraplegia autosomal dominant 2; Spastic paraplegia 4, autosomal dominant; Spastic Paraplegia 4. Identifiers: Orphanet 100985, MedGen C1866855, MONDO:0008438, OMIM 182601.

Allele frequency attached by ClinVar (database versions not stated): gnomAD exomes below 0.00001.
gnomAD v4.1: 1 of 1,587,146 alleles (0.000063%); highest among the groups gnomAD compares: Non-Finnish European, 0.000087%; no homozygotes.

Submission:

Labcorp Genetics (formerly Invitae), Labcorp
Classification: Pathogenic for Hereditary spastic paraplegia 4. Last evaluated: 2025-11-21. Review status: criteria provided, single submitter. Criteria: Invitae Variant Classification Sherloc (09022015). Collection method: clinical testing. Allele origin: germline.
Comment: This sequence change affects a donor splice site in intron 9 of the SPAST gene. RNA analysis indicates that disruption of this splice site induces altered splicing and likely results in a shortened protein product. This variant is not present in population databases (gnomAD no frequency). Disruption of this splice site has been observed in individuals with hereditary spastic paraplegia and/or hereditary spastic paraplegia (HSP) (PMID: 11309678, 20562464, 22552817, 22960362, 26600529). ClinVar contains an entry for this variant (Variation ID: 2203040). Studies have shown that disruption of this splice site results in skipping of 9, but is expected to preserve the integrity of the reading-frame (PMID: 11309678, 26600529). For these reasons, this variant has been classified as Pathogenic.

Literature cited by the submitters: PubMed 11309678; PubMed 20562464; PubMed 22552817; PubMed 22960362; PubMed 26600529.

NM_014946.4(SPAST):c.1245+1G>C

Gene: SPAST (spastin; plus strand). Cytogenetic location: 2p22.3.
Variant type: single nucleotide variant.
Coding change: c.1245+1G>C on transcript NM_014946.4 (MANE Select); the canonical splice donor site of the intron after coding-DNA position 1245, G replaced by C.
Molecular consequence: splice donor variant.
Genome position (GRCh38, 1-based): chr2:32,128,480, G>C. VCF-style: chr2-32128480-G-C. GRCh37 (hg19) VCF-style: chr2-32353549-G-C.
Other names: c.1149+1G>C (NM_199436.2, NM_001377959.1); c.1242+1G>C (NM_001363823.2); c.1146+1G>C (NM_001363875.2).
Identifiers: ClinVar variation 2203040 (VCV002203040.4), dbSNP rs875989878, ClinGen allele CA346501520.